The following is an entry in ClinVar:

ClinVar aggregate classification (germline): Uncertain significance. Review status: criteria provided, multiple submitters, no conflicts (2 of 4 stars). 2 submissions from 2 submitters: Uncertain significance (2). Last evaluated 2023-07-11.

Submissions (2):

GeneDx
Classification: Uncertain significance. Last evaluated: 2023-07-11. Review status: criteria provided, single submitter. Criteria: GeneDx Variant Classification Process June 2021. Collection method: clinical testing. Allele origin: germline. Affected: yes.
Comment: Not observed at significant frequency in large population cohorts (gnomAD); In silico analysis supports that this missense variant has a deleterious effect on protein structure/function; Has not been previously published as pathogenic or benign to our knowledge

Labcorp Genetics (formerly Invitae), Labcorp
Classification: Uncertain significance. Last evaluated: 2023-06-23. Review status: criteria provided, single submitter. Criteria: Invitae Variant Classification Sherloc (09022015). Collection method: clinical testing. Allele origin: germline.
Comment: This sequence change replaces glycine, which is neutral and non-polar, with glutamic acid, which is acidic and polar, at codon 520 of the COL9A1 protein (p.Gly520Glu). This variant is not present in population databases (gnomAD no frequency). This variant has not been reported in the literature in individuals affected with COL9A1-related conditions. An algorithm developed to predict the effect of missense changes on protein structure and function (PolyPhen-2) suggests that this variant is likely to be disruptive. In summary, the available evidence is currently insufficient to determine the role of this variant in disease. Therefore, it has been classified as a Variant of Uncertain Significance.

NM_001851.6(COL9A1):c.1559G>A (p.Gly520Glu)

Gene: COL9A1 (collagen type IX alpha 1 chain; minus strand). Cytogenetic location: 6q13.
Variant type: single nucleotide variant.
Coding change: c.1559G>A on transcript NM_001851.6 (MANE Select); coding-DNA position 1559, G replaced by A.
Protein change: p.Gly520Glu; replaces glycine 520 with glutamic acid.
Molecular consequence: missense variant. On other transcripts: non-coding transcript variant (1).
Genome position (GRCh38, 1-based): chr6:70,255,202, C>T on the plus strand (G>A on the coding strand, the complement: COL9A1 is on the minus strand). VCF-style: chr6-70255202-C-T. GRCh37 (hg19) VCF-style: chr6-70964905-C-T.
Other names: c.1559G>A (NM_001851.4); c.830G>A, p.Gly277Glu (NM_001377289.1, NM_001377290.1, NM_078485.4); short protein forms G520E, G277E.
Identifiers: ClinVar variation 2726376 (VCV002726376.4), dbSNP rs2483318415, ClinGen allele CA364677897.
Genomic context (GRCh38, chr6:70,255,202, plus strand): 5'-GGACATACCGTGTCTCCTTTGGGCCCAGGGAGACCAGGAATTCCTCTAGCACCTTCAGCC[C>T]CCTGCAGGGAGGAAGAGAAAGAATAGACAAGACATGTTCAGTTAACATAATACTTAGACT-3'
Protein context (NP_001842.3, residues 510-530): PGEAGPKGDR[Gly520Glu]AEGARGIPGL